The following is an entry in ClinVar:

ClinVar aggregate classification (germline): Uncertain significance. Review status: criteria provided, multiple submitters, no conflicts (2 of 4 stars). 2 submissions from 2 submitters: Uncertain significance (2). Last evaluated 2019-01-30.

Conditions:
Hereditary sensory and autonomic neuropathy type 7. Also called: Neuropathy, hereditary sensory and autonomic, type VII; HSAN VII. Identifiers: Orphanet 391397, MedGen C3809882, MONDO:0014244, OMIM 615548.
Familial episodic pain syndrome with predominantly lower limb involvement. Also called: Episodic pain syndrome, familial, 3. Identifiers: Orphanet 391384, Orphanet 391392, MedGen C3809899, MONDO:0014247, OMIM 615552.

Allele frequency attached by ClinVar (database versions not stated): gnomAD exomes below 0.00001; gnomAD 0.00001.
gnomAD v4.1: 2 of 1,608,364 alleles (0.00012%); highest among the groups gnomAD compares: South Asian, 0.0011%; no homozygotes.

Submissions (2):

Blueprint Genetics
Classification: Uncertain significance. Last evaluated: 2019-01-30. Review status: criteria provided, single submitter. Criteria: ACMG Guidelines, 2015. Collection method: clinical testing. Allele origin: germline.

Labcorp Genetics (formerly Invitae), Labcorp
Classification: Uncertain significance for Familial episodic pain syndrome with predominantly lower limb involvement; Hereditary sensory and autonomic neuropathy type 7. Last evaluated: 2018-06-29. Review status: criteria provided, single submitter. Criteria: Invitae Variant Classification Sherloc (09022015). Collection method: clinical testing. Allele origin: germline.
Comment: In summary, the available evidence is currently insufficient to determine the role of this variant in disease. Therefore, it has been classified as a Variant of Uncertain Significance. Algorithms developed to predict the effect of missense changes on protein structure and function output the following: SIFT: "Tolerated"; PolyPhen-2: "Benign"; Align-GVGD: "Class C0". The arginine amino acid residue is found in multiple mammalian species, suggesting that this missense change does not adversely affect protein function. These predictions have not been confirmed by published functional studies and their clinical significance is uncertain. This variant has not been reported in the literature in individuals with SCN11A-related disease. This variant is not present in population databases (ExAC no frequency). This sequence change replaces histidine with arginine at codon 1079 of the SCN11A protein (p.His1079Arg). The histidine residue is weakly conserved and there is a small physicochemical difference between histidine and arginine.

NM_001349253.2(SCN11A):c.3236A>G (p.His1079Arg)

Gene: SCN11A (sodium voltage-gated channel alpha subunit 11; minus strand). Cytogenetic location: 3p22.2.
Variant type: single nucleotide variant.
Coding change: c.3236A>G on transcript NM_001349253.2 (MANE Select); coding-DNA position 3236, A replaced by G.
Protein change: p.His1079Arg; replaces histidine 1079 with arginine.
Molecular consequence: missense variant.
Genome position (GRCh38, 1-based): chr3:38,880,107, T>C on the plus strand (A>G on the coding strand, the complement: SCN11A is on the minus strand). VCF-style: chr3-38880107-T-C. GRCh37 (hg19) VCF-style: chr3-38921598-T-C.
Other names: c.3236A>G, p.His1079Arg (NM_014139.3); short protein forms H1079R.
Identifiers: ClinVar variation 1054416 (VCV001054416.6), dbSNP rs1296585130, ClinGen allele CA352172827.